The following is an entry in ClinVar:

ClinVar aggregate classification (germline): Uncertain significance. Review status: criteria provided, multiple submitters, no conflicts (2 of 4 stars). 6 submissions from 6 submitters: Uncertain significance (6). Last evaluated 2025-09-22.

Conditions:
Cardiovascular phenotype. Identifiers: MedGen CN230736.
Arrhythmogenic right ventricular dysplasia 10. Also called: Arrhythmogenic Right Ventricular Dysplasia/Cardiomyopathy10; ARRHYTHMOGENIC RIGHT VENTRICULAR DYSPLASIA, FAMILIAL, 10; Arrhythmogenic right ventricular dysplasia/cardiomyopathy, type 10. Identifiers: MedGen C1857777, MONDO:0012434, OMIM 610193.
Dilated cardiomyopathy 1BB (CMD1BB). Also called: CARDIOMYOPATHY, DILATED, 1BB, SUSCEPTIBILITY TO. Identifiers: Orphanet 154, MedGen C2752072, MONDO:0013030, OMIM 612877.
Arrhythmogenic right ventricular cardiomyopathy (ARVD). Also called: Cardiomyopathy, ARVC; Arrhythmogenic right ventricular dysplasia; Arrhythmogenic cardiomyopathy; Arrhythmogenic Right Ventricular Cardiomyopathy (ARVC). Identifiers: Orphanet 247, MedGen C0349788, MeSH D019571, MONDO:0016587. Disease mechanism: loss of function. Inheritance: Various modes of inheritance.
Cardiomyopathy (CMYO). Also called: Cardiomyopathies. Identifiers: Orphanet 167848, MedGen C0878544, MONDO:0004994, HP:0001638. Inheritance: Various modes of inheritance.

Allele frequency attached by ClinVar (database versions not stated): gnomAD exomes below 0.00001 and 0.00001; ExAC 0.00001; gnomAD 0.00001; TOPMed 0.00001; ESP Exome Variant Server 0.00008.
gnomAD v4.1: 4 of 1,614,032 alleles (0.00025%); highest among the groups gnomAD compares: African/African-American, 0.004%; no homozygotes.

Submissions (6):

Color Diagnostics, LLC DBA Color Health
Classification: Uncertain significance for Cardiomyopathy. Last evaluated: 2025-09-22. Review status: criteria provided, single submitter. Criteria: ACMG Guidelines, 2015. Collection method: clinical testing. Allele origin: germline.
Comment: This missense variant replaces lysine with methionine at codon 369 of the DSG2 protein. Computational prediction suggests that this variant may not impact protein structure and function. To our knowledge, functional studies have not been reported for this variant. This variant has not been reported in individuals affected with DSG2-related disorders in the literature. This variant has been identified in 3/280826 chromosomes in the general population by the Genome Aggregation Database (gnomAD). The available evidence is insufficient to determine the role of this variant in disease conclusively. Therefore, this variant is classified as a Variant of Uncertain Significance.

Labcorp Genetics (formerly Invitae), Labcorp
Classification: Uncertain significance for Arrhythmogenic right ventricular dysplasia 10. Last evaluated: 2025-07-14. Review status: criteria provided, single submitter. Criteria: Invitae Variant Classification Sherloc (09022015). Collection method: clinical testing. Allele origin: germline.
Comment: This sequence change replaces lysine, which is basic and polar, with methionine, which is neutral and non-polar, at codon 369 of the DSG2 protein (p.Lys369Met). This variant is present in population databases (rs375740419, gnomAD 0.01%). This variant has not been reported in the literature in individuals affected with DSG2-related conditions. ClinVar contains an entry for this variant (Variation ID: 854675). Invitae Evidence Modeling of protein sequence and biophysical properties (such as structural, functional, and spatial information, amino acid conservation, physicochemical variation, residue mobility, and thermodynamic stability) indicates that this missense variant is not expected to disrupt DSG2 protein function with a negative predictive value of 95%. In summary, the available evidence is currently insufficient to determine the role of this variant in disease. Therefore, it has been classified as a Variant of Uncertain Significance.

Ambry Genetics
Classification: Uncertain significance for Cardiovascular phenotype. Last evaluated: 2025-06-26. Review status: criteria provided, single submitter. Criteria: Ambry Variant Classification Scheme 2023. Collection method: clinical testing. Allele origin: germline.
Comment: The p.K369M variant (also known as c.1106A>T), located in coding exon 9 of the DSG2 gene, results from an A to T substitution at nucleotide position 1106. The lysine at codon 369 is replaced by methionine, an amino acid with similar properties. This amino acid position is well conserved in available vertebrate species. In addition, this alteration is predicted to be tolerated by in silico analysis. Based on the available evidence, the clinical significance of this variant remains unclear.

All of Us Research Program, National Institutes of Health
Classification: Uncertain significance for Arrhythmogenic right ventricular cardiomyopathy. Last evaluated: 2023-12-01. Review status: criteria provided, single submitter. Criteria: ACMG Guidelines, 2015. Collection method: clinical testing. Allele origin: germline. Inheritance: Autosomal dominant inheritance. Observed: 2 variant alleles, 2 heterozygotes.
Comment: This missense variant replaces lysine with methionine at codon 369 of the DSG2 protein. Computational prediction suggests that this variant may not impact protein structure and function (internally defined REVEL score threshold <= 0.5, PMID: 27666373). To our knowledge, functional studies have not been reported for this variant. This variant has not been reported in individuals affected with DSG2-related disorders in the literature. This variant has been identified in 3/280826 chromosomes in the general population by the Genome Aggregation Database (gnomAD). The available evidence is insufficient to determine the role of this variant in disease conclusively. Therefore, this variant is classified as a Variant of Uncertain Significance.

This study involves interpretation of variants in research participants for the purpose of population health screening. Participant phenotype was not available at the time of variant classification. Additional details can be found in publication PMID: 35346344, PMCID: PMC8962531

Fulgent Genetics
Classification: Uncertain significance for Arrhythmogenic right ventricular dysplasia 10; Dilated cardiomyopathy 1BB. Last evaluated: 2021-08-17. Review status: criteria provided, single submitter. Criteria: ACMG Guidelines, 2015. Collection method: clinical testing. Allele origin: unknown.

Mayo Clinic Laboratories, Mayo Clinic
Classification: Uncertain significance. Last evaluated: 2019-09-23. Review status: criteria provided, single submitter. Criteria: ACMG Guidelines, 2015. Collection method: clinical testing. Allele origin: germline. Observed: 1 variant allele.

NM_001943.5(DSG2):c.1106A>T (p.Lys369Met)

Gene: DSG2 (desmoglein 2; plus strand). Cytogenetic location: 18q12.1.
Variant type: single nucleotide variant.
Coding change: c.1106A>T on transcript NM_001943.5 (MANE Select); coding-DNA position 1106, A replaced by T.
Protein change: p.Lys369Met; replaces lysine 369 with methionine.
Molecular consequence: missense variant.
Genome position (GRCh38, 1-based): chr18:31,531,078, A>T. VCF-style: chr18-31531078-A-T. GRCh37 (hg19) VCF-style: chr18-29111041-A-T.
Other names: short protein forms K369M.
Identifiers: ClinVar variation 854675 (VCV000854675.19), dbSNP rs375740419, ClinGen allele CA041431.